The following is an entry in ClinVar:

ClinVar aggregate classification (germline): Uncertain significance. Review status: criteria provided, multiple submitters, no conflicts (2 of 4 stars). 3 submissions from 3 submitters: Uncertain significance (3). Last evaluated 2024-01-29.

Conditions:
Autosomal dominant nonsyndromic hearing loss 17. Also called: Deafness, autosomal dominant 17; Autosomal dominant nonsyndromic deafness 17. Identifiers: Orphanet 90635, MedGen C1863659, MONDO:0011350, OMIM 603622.
Macrothrombocytopenia and granulocyte inclusions with or without nephritis or sensorineural hearing loss (MATINS). Also called: DOHLE LEUKOCYTE INCLUSIONS WITH GIANT PLATELETS; MACROTHROMBOCYTOPENIA WITH LEUKOCYTE INCLUSIONS; SEBASTIAN PLATELET SYNDROME; MACROTHROMBOCYTOPENIA WITH DISPERSED LEUKOCYTIC INCLUSIONS; MACROTHROMBOCYTOPENIA, NEPHRITIS, AND DEAFNESS; MACROTHROMBOCYTOPENIA, NEPHRITIS, DEAFNESS, AND LEUKOCYTE INCLUSIONS. Identifiers: Orphanet 182050, MedGen C5200934, MONDO:0015912, OMIM 155100.

Submissions (3):

Fulgent Genetics
Classification: Uncertain significance for Macrothrombocytopenia and granulocyte inclusions with or without nephritis or sensorineural hearing loss; Autosomal dominant nonsyndromic hearing loss 17. Last evaluated: 2024-01-29. Review status: criteria provided, single submitter. Criteria: ACMG Guidelines, 2015. Collection method: clinical testing. Allele origin: germline.

Labcorp Genetics (formerly Invitae), Labcorp
Classification: Uncertain significance. Last evaluated: 2023-06-24. Review status: criteria provided, single submitter. Criteria: Invitae Variant Classification Sherloc (09022015). Collection method: clinical testing. Allele origin: germline.
Comment: In summary, the available evidence is currently insufficient to determine the role of this variant in disease. Therefore, it has been classified as a Variant of Uncertain Significance. An algorithm developed to predict the effect of missense changes on protein structure and function (PolyPhen-2) suggests that this variant is likely to be disruptive. This variant has not been reported in the literature in individuals affected with MYH9-related conditions. This variant is present in population databases (no rsID available, gnomAD 0.0004%). This sequence change replaces arginine, which is basic and polar, with glutamine, which is neutral and polar, at codon 1725 of the MYH9 protein (p.Arg1725Gln).

GeneDx
Classification: Uncertain significance. Last evaluated: 2023-01-06. Review status: criteria provided, single submitter. Criteria: GeneDx Variant Classification Process June 2021. Collection method: clinical testing. Allele origin: germline. Affected: yes.
Comment: Not observed at significant frequency in large population cohorts (gnomAD); In silico analysis supports a deleterious effect on protein structure/function; Has not been previously published as pathogenic or benign to our knowledge

NM_002473.6(MYH9):c.5174_5175delinsAA (p.Arg1725Gln)

Gene: MYH9 (myosin heavy chain 9; minus strand). Cytogenetic location: 22q12.3.
Variant type: Indel.
Coding change: c.5174_5175delinsAA on transcript NM_002473.6 (MANE Select); coding-DNA positions 5174 to 5175, GG replaced by AA.
Protein change: p.Arg1725Gln; replaces arginine 1725 with glutamine.
Molecular consequence: missense variant.
Genome position (GRCh38, 1-based): chr22:36,285,757-36,285,758, CC replaced by TT on the plus strand (GG replaced by AA on the coding strand, the reverse complement: MYH9 is on the minus strand). VCF-style: chr22-36285757-CC-TT. GRCh37 (hg19) VCF-style: chr22-36681803-CC-TT.
Other names: short protein forms R1725Q.
Identifiers: ClinVar variation 2571876 (VCV002571876.5), dbSNP rs2517948394, ClinGen allele CA2580615304.